The following is an entry in ClinVar:

NM_001371928.1(AHDC1):c.1310C>A (p.Pro437His)

Gene: AHDC1 (AT-hook DNA binding motif containing 1; minus strand). Cytogenetic location: 1p36.11.
Variant type: single nucleotide variant.
Coding change: c.1310C>A on transcript NM_001371928.1 (MANE Select); coding-DNA position 1310, C replaced by A.
Protein change: p.Pro437His; replaces proline 437 with histidine.
Molecular consequence: missense variant.
Genome position (GRCh38, 1-based): chr1:27,550,806, G>T on the plus strand (C>A on the coding strand, the complement: AHDC1 is on the minus strand). VCF-style: chr1-27550806-G-T. GRCh37 (hg19) VCF-style: chr1-27877317-G-T.
Other names: c.1310C>A, p.Pro437His (NM_001029882.3); short protein forms P437H.
Identifiers: ClinVar variation 3696603 (VCV003696603.2).

ClinVar aggregate classification (germline): Uncertain significance (1 of 4 stars; one submission).

gnomAD v4.1: 7 of 1,565,748 alleles (0.00045%); highest among the groups gnomAD compares: Non-Finnish European, 0.00061%; no homozygotes.

Submission:

Labcorp Genetics (formerly Invitae), Labcorp
Classification: Uncertain significance. Last evaluated: 2024-09-10. Review status: criteria provided, single submitter. Criteria: Invitae Variant Classification Sherloc (09022015). Collection method: clinical testing. Allele origin: germline.
Comment: This sequence change replaces proline, which is neutral and non-polar, with histidine, which is basic and polar, at codon 437 of the AHDC1 protein (p.Pro437His). This variant is not present in population databases (gnomAD no frequency). This variant has not been reported in the literature in individuals affected with AHDC1-related conditions. An algorithm developed to predict the effect of missense changes on protein structure and function (PolyPhen-2) suggests that this variant is likely to be disruptive. In summary, the available evidence is currently insufficient to determine the role of this variant in disease. Therefore, it has been classified as a Variant of Uncertain Significance.